The following is an entry in ClinVar:

NM_001113378.2(FANCI):c.634C>T (p.Pro212Ser)

Gene: FANCI (FA complementation group I; plus strand). Cytogenetic location: 15q26.1.
Variant type: single nucleotide variant.
Coding change: c.634C>T on transcript NM_001113378.2 (MANE Select); coding-DNA position 634, C replaced by T.
Protein change: p.Pro212Ser; replaces proline 212 with serine.
Molecular consequence: missense variant.
Genome position (GRCh38, 1-based): chr15:89,263,991, C>T. VCF-style: chr15-89263991-C-T. GRCh37 (hg19) VCF-style: chr15-89807222-C-T.
Other names: c.355C>T, p.Pro119Ser (NM_001376910.1); c.634C>T, p.Pro212Ser (NM_001376911.1, NM_018193.3); short protein forms P212S, P119S.
Identifiers: ClinVar variation 1517351 (VCV001517351.5), dbSNP rs2151297988, ClinGen allele CA393739154.
Genomic context (GRCh38, chr15:89,263,991, plus strand): 5'-GAATTTGTGGTGGAAAAAGCATTGAGCATGTTCTCCAAGATGAATCTTCAAGAAATACCA[C>T]CTTTGGTCTATCAGCTTCTGGTTCTCTCCTCCAAGGTACAAATGGAAAATTGTTTCTCCT-3'
Protein context (NP_001106849.1, residues 202-222): FSKMNLQEIP[Pro212Ser]LVYQLLVLSS

ClinVar aggregate classification (germline): Uncertain significance (1 of 4 stars; one submission).

Conditions:
Fanconi anemia (FA). Also called: Fanconi's anemia. Identifiers: Orphanet 84, MedGen C0015625, MeSH D005199, MONDO:0019391.

gnomAD v4.1: 2 of 1,614,058 alleles (0.00012%); highest among the groups gnomAD compares: Non-Finnish European, 0.00017%; no homozygotes.

Submission:

Labcorp Genetics (formerly Invitae), Labcorp
Classification: Uncertain significance for Fanconi anemia. Last evaluated: 2022-02-10. Review status: criteria provided, single submitter. Criteria: Invitae Variant Classification Sherloc (09022015). Collection method: clinical testing. Allele origin: germline.
Comment: This sequence change replaces proline, which is neutral and non-polar, with serine, which is neutral and polar, at codon 212 of the FANCI protein (p.Pro212Ser). This variant is not present in population databases (gnomAD no frequency). This variant has not been reported in the literature in individuals affected with FANCI-related conditions. Algorithms developed to predict the effect of missense changes on protein structure and function are either unavailable or do not agree on the potential impact of this missense change (SIFT: "Tolerated"; PolyPhen-2: "Benign"; Align-GVGD: "Class C25"). In summary, the available evidence is currently insufficient to determine the role of this variant in disease. Therefore, it has been classified as a Variant of Uncertain Significance.